The following is an entry in ClinVar:

ClinVar aggregate classification (germline): Uncertain significance (1 of 4 stars; one submission).

Conditions:
Familial adenomatous polyposis 2. Also called: MUTYH-associated polyposis; Adenomas, multiple colorectal; COLORECTAL ADENOMATOUS POLYPOSIS, AUTOSOMAL RECESSIVE; ADENOMAS, MULTIPLE COLORECTAL, AUTOSOMAL RECESSIVE; MUTYH-related attenuated familial adenomatous polyposis; MYH-associated polyposis. Identifiers: Orphanet 220460, Orphanet 247798, MedGen C3272841, MONDO:0012041, OMIM 608456.

Submission:

Labcorp Genetics (formerly Invitae), Labcorp
Classification: Uncertain significance for Familial adenomatous polyposis 2. Last evaluated: 2023-06-26. Review status: criteria provided, single submitter. Criteria: Invitae Variant Classification Sherloc (09022015). Collection method: clinical testing. Allele origin: germline.
Comment: This variant is not present in population databases (gnomAD no frequency). This sequence change replaces isoleucine, which is neutral and non-polar, with phenylalanine, which is neutral and non-polar, at codon 249 of the MUTYH protein (p.Ile249Phe). This variant has not been reported in the literature in individuals affected with MUTYH-related conditions. In summary, the available evidence is currently insufficient to determine the role of this variant in disease. Therefore, it has been classified as a Variant of Uncertain Significance. An algorithm developed to predict the effect of missense changes on protein structure and function (PolyPhen-2) suggests that this variant is likely to be disruptive.

NM_001048174.2(MUTYH):c.661A>T (p.Ile221Phe)

Gene: MUTYH (mutY DNA glycosylase; minus strand). Cytogenetic location: 1p34.1.
Variant type: single nucleotide variant.
Coding change: c.661A>T on transcript NM_001048174.2 (MANE Select); coding-DNA position 661, A replaced by T.
Protein change: p.Ile221Phe; replaces isoleucine 221 with phenylalanine.
Molecular consequence: missense variant. On other transcripts: non-coding transcript variant (7).
Genome position (GRCh38, 1-based): chr1:45,332,434, T>A on the plus strand (A>T on the coding strand, the complement: MUTYH is on the minus strand). VCF-style: chr1-45332434-T-A. GRCh37 (hg19) VCF-style: chr1-45798106-T-A.
Other names: c.661A>T, p.Ile221Phe (NM_001048171.2, NM_001048173.2, NM_001293195.2 and 6 more transcripts); c.664A>T, p.Ile222Phe (NM_001048172.2, NM_001407071.1, NM_001407078.1 and 1 more transcripts); c.745A>T, p.Ile249Phe (NM_001128425.2); c.706A>T, p.Ile236Phe (NM_001293190.2); c.694A>T, p.Ile232Phe (NM_001293191.2, NM_001407069.1, NM_001407077.1); c.385A>T, p.Ile129Phe (NM_001293192.2, NM_001293196.2, NM_001407091.1); c.316A>T, p.Ile106Phe (NM_001350650.2, NM_001350651.2, NM_001407082.1); c.577A>T, p.Ile193Phe (NM_001407075.1); and 5 more; short protein forms I207F, I221F, I246F, I249F, I129F, I193F, I106F, I208F.
Identifiers: ClinVar variation 2769700 (VCV002769700.3), dbSNP rs1190213874, ClinGen allele CA340134831.